The following is an entry in ClinVar:

ClinVar aggregate classification (germline): Uncertain significance (1 of 4 stars; one submission).

Submission:

Women's Health and Genetics/Laboratory Corporation of America, LabCorp
Classification: Uncertain significance. Last evaluated: 2025-07-23. Review status: criteria provided, single submitter. Criteria: LabCorp Variant Classification Summary - May 2015. Collection method: clinical testing. Allele origin: germline.
Comment: Variant summary: The variant involves the duplication of exons 4-13 in the GSS gene. It is assumed to be a tandem duplication in direct orientation (PMIDs: 25640679, 30054569). The exact breakpoint at the 3' end of this variant is unknown, therefore this duplication may extend downstream of the annotated region of the gene. As it duplicates the termination codon, its effect on the encoded protein is unknown. A presumed nomenclature of c.(275+1_276-1)_(*397_?)dup has been designated for the purposes of this classification. The variant was absent in 21694 control chromosomes. The available data on variant occurrences in the general population are insufficient to allow any conclusion about variant significance. To our knowledge, no occurrence of c.(275+1_276-1)_(*397_?)dup in individuals affected with Glutathione Synthetase Deficiency and no experimental evidence demonstrating its impact on protein function have been reported. No submitters have cited clinical-significance assessments for this variant to ClinVar. Based on the evidence outlined above, the variant was classified as uncertain significance.

NC_000020.10:g.(?_33516234)_(33530810_33533755)dup

Gene: GSS (glutathione synthetase; minus strand). Cytogenetic location: 20q11.22.
Variant type: Duplication.
Identifiers: ClinVar variation 4526258 (VCV004526258.1).